The following is an entry in ClinVar:

ClinVar aggregate classification (germline): Uncertain significance (1 of 4 stars; one submission).

Conditions:
Hereditary sensory and autonomic neuropathy type 6. Also called: HSAN VI; Neuropathy, hereditary sensory and autonomic, type VI. Identifiers: Orphanet 314381, MedGen C3539003, MONDO:0013839, OMIM 614653.
Epidermolysis bullosa simplex 3, localized or generalized intermediate, with BP230 deficiency (EBS3). Also called: Epidermolysis bullosa simplex due to BP230 deficiency; Epidermolysis bullosa simplex, autosomal recessive 2. Identifiers: Orphanet 412181, MedGen C3809470, MONDO:0014180, OMIM 615425.

Allele frequency attached by ClinVar (database versions not stated): TOPMed 0.00001; ExAC 0.00002; gnomAD exomes 0.00003.
gnomAD v4.1: 16 of 1,613,940 alleles (0.00099%); highest among the groups gnomAD compares: Admixed American, 0.027%; no homozygotes.

Submission:

Labcorp Genetics (formerly Invitae), Labcorp
Classification: Uncertain significance for Epidermolysis bullosa simplex 3, localized or generalized intermediate, with BP230 deficiency; Hereditary sensory and autonomic neuropathy type 6. Last evaluated: 2026-01-18. Review status: criteria provided, single submitter. Criteria: Invitae Variant Classification Sherloc (09022015). Collection method: clinical testing. Allele origin: germline.
Comment: The DST gene has multiple clinically relevant transcripts. This variant occurs in alternate transcript NM_015548.4, and corresponds to NM_001723.5:c.*155349A>G in the primary transcript. This sequence change replaces isoleucine, which is neutral and non-polar, with methionine, which is neutral and non-polar, at codon 5072 of the DST protein (p.Ile5072Met). This variant is present in population databases (rs752238624, gnomAD 0.04%). This variant has not been reported in the literature in individuals affected with DST-related conditions. Experimental studies and prediction algorithms are not available or were not evaluated, and the functional significance of this variant is currently unknown. In summary, the available evidence is currently insufficient to determine the role of this variant in disease. Therefore, it has been classified as a Variant of Uncertain Significance.

NM_001374736.1(DST):c.23157A>G (p.Ile7719Met)

Gene: DST (dystonin; minus strand). Cytogenetic location: 6p12.1.
Variant type: single nucleotide variant.
Coding change: c.23157A>G on transcript NM_001374736.1 (MANE Select); coding-DNA position 23157, A replaced by G.
Protein change: p.Ile7719Met; replaces isoleucine 7719 with methionine.
Molecular consequence: missense variant.
Genome position (GRCh38, 1-based): chr6:56,460,168, T>C on the plus strand (A>G on the coding strand, the complement: DST is on the minus strand). VCF-style: chr6-56460168-T-C. GRCh37 (hg19) VCF-style: chr6-56324966-T-C.
Other names: c.16728A>G, p.Ile5576Met (NM_001144769.5); c.16314A>G, p.Ile5438Met (NM_001144770.2); c.23085A>G, p.Ile7695Met (NM_001374722.1); c.22086A>G, p.Ile7362Met (NM_001374729.1); c.15828A>G, p.Ile5276Met (NM_001374730.1); c.23112A>G, p.Ile7704Met (NM_001374734.1); c.16176A>G, p.Ile5392Met (NM_001386100.1); c.15216A>G, p.Ile5072Met (NM_015548.5); and 1 more; short protein forms I7695M, I5438M, I5576M, I5072M, I5276M, I5392M, I5398M, I7362M.
Identifiers: ClinVar variation 2153716 (VCV002153716.4), dbSNP rs752238624, ClinGen allele CA3866022.